The following is an entry in ClinVar:

ClinVar aggregate classification (germline): Conflicting classifications of pathogenicity. Review status: criteria provided, conflicting classifications (1 of 4 stars). 3 submissions from 3 submitters: Uncertain significance (1); Likely benign (1). 1 of the submissions does not count toward it. Last evaluated 2024-11-23.

Conditions:
GEN1-related disorder. Also called: GEN1-related condition.

Allele frequency attached by ClinVar (database versions not stated): gnomAD exomes 0.00006; ExAC 0.00015; TOPMed 0.00009; gnomAD 0.00001.
gnomAD v4.1: 86 of 1,612,664 alleles (0.0053%); highest among the groups gnomAD compares: Admixed American, 0.11%; no homozygotes.

Submissions (3):

Ambry Genetics
Classification: Likely benign. Last evaluated: 2024-11-23. Review status: criteria provided, single submitter. Criteria: Ambry Variant Classification Scheme 2023. Collection method: clinical testing. Allele origin: germline.

Labcorp Genetics (formerly Invitae), Labcorp
Classification: Uncertain significance. Last evaluated: 2024-10-18. Review status: criteria provided, single submitter. Criteria: Invitae Variant Classification Sherloc (09022015). Collection method: clinical testing. Allele origin: germline.
Comment: This sequence change replaces valine, which is neutral and non-polar, with methionine, which is neutral and non-polar, at codon 579 of the GEN1 protein (p.Val579Met). This variant is present in population databases (rs762962608, gnomAD 0.2%), and has an allele count higher than expected for a pathogenic variant. This variant has not been reported in the literature in individuals affected with GEN1-related conditions. ClinVar contains an entry for this variant (Variation ID: 2063103). An algorithm developed to predict the effect of missense changes on protein structure and function outputs the following: PolyPhen-2: "Benign". The methionine amino acid residue is found in multiple mammalian species, which suggests that this missense change does not adversely affect protein function. In summary, the available evidence is currently insufficient to determine the role of this variant in disease. Therefore, it has been classified as a Variant of Uncertain Significance.

PreventionGenetics, part of Exact Sciences
Classification: Likely benign for GEN1-related condition. Last evaluated: 2022-05-09. Review status: no assertion criteria provided. Collection method: clinical testing. Allele origin: germline. Not counted in ClinVar's aggregate classification.
Comment: This variant is classified as likely benign based on ACMG/AMP sequence variant interpretation guidelines (Richards et al. 2015 PMID: 25741868, with internal and published modifications).

NM_001130009.3(GEN1):c.1735G>A (p.Val579Met)

Gene: GEN1 (GEN1 structure-specific endonuclease; plus strand). Cytogenetic location: 2p24.2.
Variant type: single nucleotide variant.
Coding change: c.1735G>A on transcript NM_001130009.3 (MANE Select); coding-DNA position 1735, G replaced by A.
Protein change: p.Val579Met; replaces valine 579 with methionine.
Molecular consequence: missense variant.
Genome position (GRCh38, 1-based): chr2:17,780,947, G>A. VCF-style: chr2-17780947-G-A. GRCh37 (hg19) VCF-style: chr2-17962214-G-A.
Other names: c.1735G>A, p.Val579Met (NM_182625.5); c.1735G>A (NM_182625.4); short protein forms V579M.
Identifiers: ClinVar variation 2063103 (VCV002063103.8), dbSNP rs762962608, ClinGen allele CA1540824.